The following is an entry in ClinVar:

ClinVar aggregate classification (germline): Uncertain significance (1 of 4 stars; one submission).

Conditions:
Hereditary cancer-predisposing syndrome. Also called: Tumor predisposition; Neoplastic Syndromes, Hereditary; Hereditary neoplastic syndrome; Hereditary Cancer Syndrome. Identifiers: Orphanet 140162, MedGen C0027672, MeSH D009386, MONDO:0015356.

Submission:

Ambry Genetics
Classification: Uncertain significance for Hereditary cancer-predisposing syndrome. Last evaluated: 2024-07-08. Review status: criteria provided, single submitter. Criteria: Ambry Variant Classification Scheme 2023. Collection method: clinical testing. Allele origin: germline.
Comment: The p.Q123P variant (also known as c.368A>C), located in coding exon 4 of the SMARCB1 gene, results from an A to C substitution at nucleotide position 368. The glutamine at codon 123 is replaced by proline, an amino acid with similar properties. This amino acid position is conserved. In addition, this alteration is predicted to be deleterious by in silico analysis. Based on the available evidence, the clinical significance of this variant remains unclear.

NM_003073.5(SMARCB1):c.368A>C (p.Gln123Pro)

Gene: SMARCB1 (SWI/SNF related BAF chromatin remodeling complex subunit B1; plus strand). Cytogenetic location: 22q11.23.
Variant type: single nucleotide variant.
Coding change: c.368A>C on transcript NM_003073.5 (MANE Select); coding-DNA position 368, A replaced by C.
Protein change: p.Gln123Pro; replaces glutamine 123 with proline.
Molecular consequence: missense variant.
Genome position (GRCh38, 1-based): chr22:23,800,949, A>C. VCF-style: chr22-23800949-A-C. GRCh37 (hg19) VCF-style: chr22-24143136-A-C.
Other names: c.341A>C, p.Gln114Pro (NM_001007468.3, NM_001317946.2); c.368A>C, p.Gln123Pro (NM_001362877.2); short protein forms Q123P, Q114P.
Identifiers: ClinVar variation 3446066 (VCV003446066.1).